The following is an entry in ClinVar:

NM_001130438.3(SPTAN1):c.4747A>C (p.Thr1583Pro)

Gene: SPTAN1 (spectrin alpha, non-erythrocytic 1; plus strand). Cytogenetic location: 9q34.11.
Variant type: single nucleotide variant.
Coding change: c.4747A>C on transcript NM_001130438.3 (MANE Select); coding-DNA position 4747, A replaced by C.
Protein change: p.Thr1583Pro; replaces threonine 1583 with proline.
Molecular consequence: missense variant.
Genome position (GRCh38, 1-based): chr9:128,609,273, A>C. VCF-style: chr9-128609273-A-C. GRCh37 (hg19) VCF-style: chr9-131371552-A-C.
Other names: c.4687A>C, p.Thr1563Pro (NM_001195532.2, NM_001363765.2, NM_001375314.2); c.4747A>C, p.Thr1583Pro (NM_001363759.2, NM_001375310.1, NM_001375311.2 and 2 more transcripts); c.4783A>C, p.Thr1595Pro (NM_001375312.2, NM_001375318.1); short protein forms T1563P, T1583P, T1595P.
Identifiers: ClinVar variation 1003814 (VCV001003814.9), dbSNP rs1856299526, ClinGen allele CA375069421.
Genomic context (GRCh38, chr9:128,609,273, plus strand): 5'-ATTGAGGCTTGGATCAGTGAAAAATTGCAAACAGCGAGTGATGAGTCGTACAAGGATCCC[A>C]CCAACATCCAGGTAAGCTGAAGTGACTGGGTGTTGGTCTTGATGTAGCCTTATGTTATTG-3'
Protein context (NP_001123910.1, residues 1573-1593): TASDESYKDP[Thr1583Pro]NIQLSKLLSK

ClinVar aggregate classification (germline): Uncertain significance (1 of 4 stars; one submission).

Conditions:
Early-infantile DEE. Also called: Early infantile epileptic encephalopathy with suppression bursts; Ohtahara syndrome; Early infantile epileptic encephalopathy. Identifiers: Orphanet 1934, MedGen C0393706, MONDO:0800491.

Submission:

Labcorp Genetics (formerly Invitae), Labcorp
Classification: Uncertain significance for Early-infantile DEE. Last evaluated: 2020-03-19. Review status: criteria provided, single submitter. Criteria: Invitae Variant Classification Sherloc (09022015). Collection method: clinical testing. Allele origin: germline.
Comment: In summary, the available evidence is currently insufficient to determine the role of this variant in disease. Therefore, it has been classified as a Variant of Uncertain Significance. Algorithms developed to predict the effect of missense changes on protein structure and function are either unavailable or do not agree on the potential impact of this missense change (SIFT: "Deleterious"; PolyPhen-2: "Benign"; Align-GVGD: "Class C0"). This variant has not been reported in the literature in individuals with SPTAN1-related conditions. This variant is not present in population databases (ExAC no frequency). This sequence change replaces threonine with proline at codon 1583 of the SPTAN1 protein (p.Thr1583Pro). The threonine residue is highly conserved and there is a small physicochemical difference between threonine and proline.